The following is an entry in ClinVar:

ClinVar aggregate classification (germline): Uncertain significance (1 of 4 stars; one submission).

Allele frequency attached by ClinVar (database versions not stated): gnomAD exomes below 0.00001.
gnomAD v4.1: 2 of 1,552,460 alleles (0.00013%); highest among the groups gnomAD compares: South Asian, 0.0024%; no homozygotes.

Submission:

Labcorp Genetics (formerly Invitae), Labcorp
Classification: Uncertain significance. Last evaluated: 2025-07-07. Review status: criteria provided, single submitter. Criteria: Invitae Variant Classification Sherloc (09022015). Collection method: clinical testing. Allele origin: germline.
Comment: This sequence change replaces alanine, which is neutral and non-polar, with proline, which is neutral and non-polar, at codon 521 of the TOP2B protein (p.Ala521Pro). This variant is not present in population databases (gnomAD no frequency). This variant has not been reported in the literature in individuals affected with TOP2B-related conditions. ClinVar contains an entry for this variant (Variation ID: 1025593). An algorithm developed to predict the effect of missense changes on protein structure and function (PolyPhen-2) suggests that this variant is likely to be tolerated. In summary, the available evidence is currently insufficient to determine the role of this variant in disease. Therefore, it has been classified as a Variant of Uncertain Significance.

NM_001330700.2(TOP2B):c.1576G>C (p.Ala526Pro)

Gene: TOP2B (DNA topoisomerase II beta; minus strand). Cytogenetic location: 3p24.2.
Variant type: single nucleotide variant.
Coding change: c.1576G>C on transcript NM_001330700.2 (MANE Select); coding-DNA position 1576, G replaced by C.
Protein change: p.Ala526Pro; replaces alanine 526 with proline.
Molecular consequence: missense variant.
Genome position (GRCh38, 1-based): chr3:25,630,142, C>G on the plus strand (G>C on the coding strand, the complement: TOP2B is on the minus strand). VCF-style: chr3-25630142-C-G. GRCh37 (hg19) VCF-style: chr3-25671633-C-G.
Other names: c.1561G>C, p.Ala521Pro (NM_001068.3); short protein forms A521P, A526P.
Identifiers: ClinVar variation 1025593 (VCV001025593.5), dbSNP rs1702914857, ClinGen allele CA351908873.